The following is an entry in ClinVar:

ClinVar aggregate classification (germline): Pathogenic (1 of 4 stars; one submission).

Conditions:
Holocarboxylase synthetase deficiency. Also called: MULTIPLE CARBOXYLASE DEFICIENCY, EARLY ONSET. Identifiers: Orphanet 79242, MedGen C0268581, MONDO:0009666, OMIM 253270.

Submission:

Labcorp Genetics (formerly Invitae), Labcorp
Classification: Pathogenic for Holocarboxylase synthetase deficiency. Last evaluated: 2022-02-11. Review status: criteria provided, single submitter. Criteria: Invitae Variant Classification Sherloc (09022015). Collection method: clinical testing. Allele origin: germline.
Comment: This variant has not been reported in the literature in individuals affected with HLCS-related conditions. For these reasons, this variant has been classified as Pathogenic. This variant is not present in population databases (gnomAD no frequency). This sequence change creates a premature translational stop signal (p.Asp397Glufs*25) in the HLCS gene. It is expected to result in an absent or disrupted protein product. Loss-of-function variants in HLCS are known to be pathogenic (PMID: 16134170).

Literature cited by the submitters: PubMed 16134170.

NM_001352514.2(HLCS):c.1631dup (p.Asp544fs)

Gene: HLCS (holocarboxylase synthetase; minus strand). Cytogenetic location: 21q22.13.
Variant type: Duplication.
Coding change: c.1631dup on transcript NM_001352514.2 (MANE Select); coding-DNA position 1631, one base duplicated (A; older notation c.1631dupA).
Protein change: p.Asp544fs; shifts the reading frame from aspartic acid 544.
Molecular consequence: frameshift variant. On other transcripts: non-coding transcript variant (2).
Genome position (GRCh38, 1-based): chr21:36,897,121, T duplicated on the plus strand (A on the coding strand, the reverse complement: HLCS is on the minus strand). VCF-style (leftmost placement, unchanged base first): chr21-36897120-A-AT. GRCh37 (hg19) VCF-style: chr21-38269420-A-AT.
Other names: c.1190dup, p.Asp397fs (NM_000411.8, NM_001242784.3, NM_001242785.2 and 4 more transcripts); short protein forms D544fs, D397fs.
Identifiers: ClinVar variation 2092902 (VCV002092902.5), dbSNP rs2517424319, ClinGen allele CA2580098673.